The following is an entry in ClinVar:

ClinVar aggregate classification (germline): Uncertain significance (1 of 4 stars; one submission).

Conditions:
Hatipoglu immunodeficiency syndrome (HATIS). Also called: IMMUNODEFICIENCY 111. Identifiers: MedGen C5830439, MONDO:0957229, OMIM 620331.

gnomAD v4.1: 10 of 1,613,392 alleles (0.00062%); highest among the groups gnomAD compares: Admixed American, 0.0017%; no homozygotes.

Submission:

St. Jude Molecular Pathology, St. Jude Children's Research Hospital
Classification: Uncertain significance for Hatipoglu immunodeficiency syndrome. Last evaluated: 2024-08-09. Review status: criteria provided, single submitter. Criteria: St. Jude Assertion Criteria 2020. Collection method: clinical testing. Allele origin: germline.
Comment: The DPP9 c.250G>A (p.Asp84Asn) missense change has a maximum subpopulation frequency of 0.011% in gnomAD v2.1.1. The in silico tool REVEL predicts a benign effect on protein function, but to our knowledge this prediction has not been confirmed by functional studies. To our knowledge, this variant has not been reported in individuals with DPP9-associated immunodeficiency. In summary, the evidence currently available is insufficient to determine the clinical significance of this variant. It has therefore been classified as of uncertain significance.

NM_139159.5(DPP9):c.250G>A (p.Asp84Asn)

Genes: DPP9 (dipeptidyl peptidase 9; minus strand), LOC126862842 (CDK7 strongly-dependent group 2 enhancer GRCh37_chr19:4713085-4714284; plus strand). Cytogenetic location: 19p13.3.
Variant type: single nucleotide variant.
Coding change: c.250G>A on transcript NM_139159.5 (MANE Select); coding-DNA position 250, G replaced by A.
Protein change: p.Asp84Asn; replaces aspartic acid 84 with asparagine.
Molecular consequence: missense variant. On other transcripts: non-coding transcript variant (11).
Genome position (GRCh38, 1-based): chr19:4,714,144, C>T on the plus strand (G>A on the coding strand, the complement: DPP9 is on the minus strand). VCF-style: chr19-4714144-C-T. GRCh37 (hg19) VCF-style: chr19-4714156-C-T.
Other names: c.250G>A, p.Asp84Asn (NM_001365987.2, NM_001384611.1, NM_001384612.1 and 19 more transcripts); c.163G>A, p.Asp55Asn (NM_001384623.1, NM_001384624.1, NM_001384625.1 and 4 more transcripts); short protein forms D55N, D84N.
Identifiers: ClinVar variation 3602644 (VCV003602644.1).